The following is an entry in ClinVar:

ClinVar aggregate classification (germline): Conflicting classifications of pathogenicity. Review status: criteria provided, conflicting classifications (1 of 4 stars). 3 submissions from 3 submitters: Uncertain significance (2); Likely benign (1). Last evaluated 2023-11-15.

Allele frequency attached by ClinVar (database versions not stated): gnomAD exomes 0.00001 and 0.00005; TOPMed 0.00001; gnomAD 0.00002; ExAC 0.00008.
gnomAD v4.1: 23 of 1,547,268 alleles (0.0015%); highest among the groups gnomAD compares: Middle Eastern, 0.017%; no homozygotes.

Submissions (3):

Blueprint Genetics
Classification: Likely benign. Last evaluated: 2023-11-15. Review status: criteria provided, single submitter. Criteria: ACMG Guidelines, 2015. Collection method: clinical testing. Allele origin: germline.

Ambry Genetics
Classification: Uncertain significance. Last evaluated: 2023-10-30. Review status: criteria provided, single submitter. Criteria: Ambry Variant Classification Scheme 2023. Collection method: clinical testing. Allele origin: germline.

Labcorp Genetics (formerly Invitae), Labcorp
Classification: Uncertain significance. Last evaluated: 2021-06-24. Review status: criteria provided, single submitter. Criteria: Invitae Variant Classification Sherloc (09022015). Collection method: clinical testing. Allele origin: germline.
Comment: This sequence change replaces lysine with glutamine at codon 442 of the RIMS1 protein (p.Lys442Gln). The lysine residue is moderately conserved and there is a small physicochemical difference between lysine and glutamine. While this variant is present in population databases (rs748842760), the frequency information is unreliable, as metrics indicate poor data quality at this position in the ExAC database. This variant has not been reported in the literature in individuals with RIMS1-related conditions. Algorithms developed to predict the effect of missense changes on protein structure and function output the following: SIFT: "Tolerated"; PolyPhen-2: "Benign"; Align-GVGD: "Class C0". The glutamine amino acid residue is found in multiple mammalian species, suggesting that this missense change does not adversely affect protein function. These predictions have not been confirmed by published functional studies and their clinical significance is uncertain. In summary, the available evidence is currently insufficient to determine the role of this variant in disease. Therefore, it has been classified as a Variant of Uncertain Significance.

NM_014989.7(RIMS1):c.1324A>C (p.Lys442Gln)

Gene: RIMS1 (regulating synaptic membrane exocytosis 1; plus strand). Cytogenetic location: 6q13.
Variant type: single nucleotide variant.
Coding change: c.1324A>C on transcript NM_014989.7 (MANE Select); coding-DNA position 1324, A replaced by C.
Protein change: p.Lys442Gln; replaces lysine 442 with glutamine.
Molecular consequence: missense variant.
Genome position (GRCh38, 1-based): chr6:72,182,795, A>C. VCF-style: chr6-72182795-A-C. GRCh37 (hg19) VCF-style: chr6-72892498-A-C.
Other names: c.1324A>C (NM_014989.4); short protein forms K442Q.
Identifiers: ClinVar variation 1464469 (VCV001464469.10), dbSNP rs748842760, ClinGen allele CA3885675.